The following is an entry in ClinVar:

ClinVar aggregate classification (germline): Conflicting classifications of pathogenicity. Review status: criteria provided, conflicting classifications (1 of 4 stars). 5 submissions from 5 submitters: Uncertain significance (4); Benign (1). Last evaluated 2026-01-15.

Conditions:
Primary ciliary dyskinesia. Also called: Ciliary dyskinesia. Identifiers: Orphanet 244, MedGen C0008780, MONDO:0016575, HP:0012265.
Primary ciliary dyskinesia 3. Identifiers: Orphanet 244, MedGen C1837618, MONDO:0012085, OMIM 608644.

Allele frequency attached by ClinVar (database versions not stated): ExAC 0.00013; TOPMed 0.00028; ESP Exome Variant Server 0.00038; 1000 Genomes Project 0.00040; 1000 Genomes Project 30x 0.00062.
gnomAD v4.1: 103 of 1,614,046 alleles (0.0064%); highest among the groups gnomAD compares: African/African-American, 0.11%; no homozygotes.

Submissions (5):

Labcorp Genetics (formerly Invitae), Labcorp
Classification: Benign for Primary ciliary dyskinesia. Last evaluated: 2026-01-15. Review status: criteria provided, single submitter. Criteria: Invitae Variant Classification Sherloc (09022015). Collection method: clinical testing. Allele origin: germline.

Genomic Medicine Center of Excellence, King Faisal Specialist Hospital and Research Centre
Classification: Uncertain significance for Primary ciliary dyskinesia 3. Last evaluated: 2025-09-10. Review status: criteria provided, single submitter. Criteria: ACMG Guidelines, 2015. Collection method: clinical testing. Allele origin: germline.

Greenwood Genetic Center Diagnostic Laboratories, Greenwood Genetic Center
Classification: Uncertain significance. Last evaluated: 2022-01-06. Review status: criteria provided, single submitter. Criteria: ACMG Guidelines, 2015. Collection method: clinical testing. Allele origin: germline. Affected: yes.
Comment: No Applicable ACMG Criteria

Johns Hopkins Genomics, Johns Hopkins University
Classification: Uncertain significance for Primary ciliary dyskinesia 3. Last evaluated: 2021-12-17. Review status: criteria provided, single submitter. Criteria: ACMG Guidelines, 2015. Collection method: clinical testing. Allele origin: germline.
Comment: This DNAH5 variant (rs144958262) has been identified in a large population dataset and the minor allele frequency is neither low enough to consider the variant rare (<0.1%) nor high enough to consider it a population polymorphism (>1%) within the African/African American subpopulation (gnomAD: 36/24956 alleles; 0.1443%, no homozygotes). It has has not been reported in ClinVar nor the literature, to our knowledge. Three bioinformatic tools queried predict that this substitution would be damaging and the proline residue at this position is evolutionarily conserved across all species assessed. We consider the clinical significance of DNAH5 c.4442C>T to be uncertain at this time.

Breakthrough Genomics
Classification: Uncertain significance. Review status: criteria provided, single submitter. Criteria: ACMG Guidelines, 2015. Collection method: not provided. Allele origin: germline. Inheritance: Autosomal recessive inheritance. Affected: yes.

NM_001369.3(DNAH5):c.4442C>T (p.Pro1481Leu)

Genes: DNAH5 (dynein axonemal heavy chain 5; minus strand), DNAH5-AS1 (DNAH5 antisense RNA 1; plus strand). Cytogenetic location: 5p15.2.
Variant type: single nucleotide variant.
Coding change: c.4442C>T on transcript NM_001369.3 (MANE Select); coding-DNA position 4442, C replaced by T.
Protein change: p.Pro1481Leu; replaces proline 1481 with leucine.
Molecular consequence: missense variant.
Genome position (GRCh38, 1-based): chr5:13,864,551, G>A on the plus strand (C>T on the coding strand, the complement: DNAH5 is on the minus strand). VCF-style: chr5-13864551-G-A. GRCh37 (hg19) VCF-style: chr5-13864660-G-A.
Other names: short protein forms P1481L.
Identifiers: ClinVar variation 1331717 (VCV001331717.11), dbSNP rs144958262, ClinGen allele CA3203977.